The following is an entry in ClinVar:

NM_005458.8(GABBR2):c.1141C>T (p.Arg381Trp)

Gene: GABBR2 (gamma-aminobutyric acid type B receptor subunit 2; minus strand). Cytogenetic location: 9q22.33.
Variant type: single nucleotide variant.
Coding change: c.1141C>T on transcript NM_005458.8 (MANE Select); coding-DNA position 1141, C replaced by T.
Protein change: p.Arg381Trp; replaces arginine 381 with tryptophan.
Molecular consequence: missense variant.
Genome position (GRCh38, 1-based): chr9:98,454,076, G>A on the plus strand (C>T on the coding strand, the complement: GABBR2 is on the minus strand). VCF-style: chr9-98454076-G-A. GRCh37 (hg19) VCF-style: chr9-101216358-G-A.
Other names: short protein forms R381W.
Identifiers: ClinVar variation 1043001 (VCV001043001.7), dbSNP rs762809795, ClinGen allele CA5152804.

ClinVar aggregate classification (germline): Uncertain significance (1 of 4 stars; one submission).

Conditions:
Epileptic encephalopathy. Identifiers: MedGen C0543888, HP:0200134.

Allele frequency attached by ClinVar (database versions not stated): gnomAD exomes below 0.00001; TOPMed below 0.00001; ExAC 0.00001; gnomAD 0.00001.
gnomAD v4.1: 5 of 1,613,984 alleles (0.00031%); highest among the groups gnomAD compares: Middle Eastern, 0.016%; no homozygotes.

Submission:

Labcorp Genetics (formerly Invitae), Labcorp
Classification: Uncertain significance for Epileptic encephalopathy. Last evaluated: 2025-03-13. Review status: criteria provided, single submitter. Criteria: Invitae Variant Classification Sherloc (09022015). Collection method: clinical testing. Allele origin: germline.
Comment: This sequence change replaces arginine, which is basic and polar, with tryptophan, which is neutral and slightly polar, at codon 381 of the GABBR2 protein (p.Arg381Trp). This variant is present in population databases (rs762809795, gnomAD 0.0009%). This variant has not been reported in the literature in individuals affected with GABBR2-related conditions. ClinVar contains an entry for this variant (Variation ID: 1043001). Invitae Evidence Modeling of protein sequence and biophysical properties (such as structural, functional, and spatial information, amino acid conservation, physicochemical variation, residue mobility, and thermodynamic stability) has been performed for this missense variant. However, the output from this modeling did not meet the statistical confidence thresholds required to predict the impact of this variant on GABBR2 protein function. In summary, the available evidence is currently insufficient to determine the role of this variant in disease. Therefore, it has been classified as a Variant of Uncertain Significance.